The following is an entry in ClinVar:

ClinVar aggregate classification (germline): Uncertain significance (1 of 4 stars; one submission).

Conditions:
Alagille syndrome due to a JAG1 point mutation. Also called: Alagille Syndrome 1; HEPATIC DUCTULAR HYPOPLASIA, SYNDROMATIC; JAG1-Related Alagille Syndrome. Identifiers: Orphanet 261619, Orphanet 52, MedGen C1956125, MONDO:0016862, OMIM 118450.

Allele frequency attached by ClinVar (database versions not stated): TOPMed below 0.00001.

Submission:

Labcorp Genetics (formerly Invitae), Labcorp
Classification: Uncertain significance for Alagille syndrome due to a JAG1 point mutation. Last evaluated: 2023-12-01. Review status: criteria provided, single submitter. Criteria: Invitae Variant Classification Sherloc (09022015). Collection method: clinical testing. Allele origin: germline.
Comment: This sequence change falls in intron 18 of the JAG1 gene. It does not directly change the encoded amino acid sequence of the JAG1 protein. It affects a nucleotide within the consensus splice site. This variant is not present in population databases (gnomAD no frequency). This variant has not been reported in the literature in individuals affected with JAG1-related conditions. Variants that disrupt the consensus splice site are a relatively common cause of aberrant splicing (PMID: 17576681, 9536098). Algorithms developed to predict the effect of sequence changes on RNA splicing suggest that this variant may disrupt the consensus splice site. In summary, the available evidence is currently insufficient to determine the role of this variant in disease. Therefore, it has been classified as a Variant of Uncertain Significance.

Literature cited by the submitters: PubMed 17576681; PubMed 9536098.

NM_000214.3(JAG1):c.2344+6T>C

Gene: JAG1 (jagged canonical Notch ligand 1; minus strand). Cytogenetic location: 20p12.2.
Variant type: single nucleotide variant.
Coding change: c.2344+6T>C on transcript NM_000214.3 (MANE Select); 6 bases into the intron after coding-DNA position 2344, T replaced by C.
Molecular consequence: intron variant.
Genome position (GRCh38, 1-based): chr20:10,644,857, A>G on the plus strand (T>C on the coding strand, the complement: JAG1 is on the minus strand). VCF-style: chr20-10644857-A-G. GRCh37 (hg19) VCF-style: chr20-10625505-A-G.
Identifiers: ClinVar variation 2877013 (VCV002877013.3), dbSNP rs2067296518, ClinGen allele CA2349882401.